The following is an entry in ClinVar:

ClinVar aggregate classification (germline): Uncertain significance. Review status: criteria provided, multiple submitters, no conflicts (2 of 4 stars). 2 submissions from 2 submitters: Uncertain significance (2). Last evaluated 2023-03-27.

Allele frequency attached by ClinVar (database versions not stated): gnomAD 0.00001; TOPMed 0.00001; gnomAD exomes 0.00002; ExAC 0.00003.
gnomAD v4.1: 23 of 1,610,594 alleles (0.0014%); highest among the groups gnomAD compares: Middle Eastern, 0.016%; 1 homozygote.

Submissions (2):

Blueprint Genetics
Classification: Uncertain significance. Last evaluated: 2023-03-27. Review status: criteria provided, single submitter. Criteria: ACMG Guidelines, 2015. Collection method: clinical testing. Allele origin: germline.

Labcorp Genetics (formerly Invitae), Labcorp
Classification: Uncertain significance. Last evaluated: 2022-02-18. Review status: criteria provided, single submitter. Criteria: Invitae Variant Classification Sherloc (09022015). Collection method: clinical testing. Allele origin: germline.
Comment: This variant has not been reported in the literature in individuals affected with P3H2-related conditions. In summary, the available evidence is currently insufficient to determine the role of this variant in disease. Therefore, it has been classified as a Variant of Uncertain Significance. Variants that disrupt the consensus splice site are a relatively common cause of aberrant splicing (PMID: 17576681, 9536098). Algorithms developed to predict the effect of sequence changes on RNA splicing suggest that this variant may disrupt the consensus splice site. Algorithms developed to predict the effect of missense changes on protein structure and function output the following: SIFT: "Deleterious"; PolyPhen-2: "Benign"; Align-GVGD: "Class C0". The glutamine amino acid residue is found in multiple mammalian species, which suggests that this missense change does not adversely affect protein function. This variant is present in population databases (rs774914899, gnomAD 0.02%). This sequence change replaces arginine, which is basic and polar, with glutamine, which is neutral and polar, at codon 410 of the P3H2 protein (p.Arg410Gln). This variant also falls at the last nucleotide of exon 7, which is part of the consensus splice site for this exon.

Literature cited by the submitters: PubMed 17576681 (cited by Labcorp Genetics (formerly Invitae), Labcorp); PubMed 9536098 (cited by Labcorp Genetics (formerly Invitae), Labcorp).

NM_018192.4(P3H2):c.1229G>A (p.Arg410Gln)

Gene: P3H2 (prolyl 3-hydroxylase 2; minus strand). Cytogenetic location: 3q28.
Variant type: single nucleotide variant.
Coding change: c.1229G>A on transcript NM_018192.4 (MANE Select); coding-DNA position 1229, G replaced by A.
Protein change: p.Arg410Gln; replaces arginine 410 with glutamine.
Molecular consequence: missense variant.
Genome position (GRCh38, 1-based): chr3:189,984,550, C>T on the plus strand (G>A on the coding strand, the complement: P3H2 is on the minus strand). VCF-style: chr3-189984550-C-T. GRCh37 (hg19) VCF-style: chr3-189702339-C-T.
Other names: c.686G>A, p.Arg229Gln (NM_001134418.2); short protein forms R229Q, R410Q.
Identifiers: ClinVar variation 2160217 (VCV002160217.4), dbSNP rs774914899, ClinGen allele CA2753024.